The following is an entry in ClinVar:

ClinVar aggregate classification (germline): Likely pathogenic (1 of 4 stars; one submission).

Conditions:
Cardiovascular phenotype. Identifiers: MedGen CN230736.

Submission:

Ambry Genetics
Classification: Likely pathogenic for Cardiovascular phenotype. Last evaluated: 2023-12-29. Review status: criteria provided, single submitter. Criteria: Ambry Variant Classification Scheme 2023. Collection method: clinical testing. Allele origin: germline.
Comment: The c.71050delG variant, located in coding exon 179 of the TTN gene, results from a deletion of one nucleotide at nucleotide position 71050, causing a translational frameshift with a predicted alternate stop codon (p.A23684Pfs*2). This exon is located in the A-band region of the N2-B isoform of the titin protein and is constitutively expressed in TTN transcripts (percent spliced in or PSI 100%). This variant is considered to be rare based on population cohorts in the Genome Aggregation Database (gnomAD). This alteration is expected to result in loss of function by premature protein truncation or nonsense-mediated mRNA decay. While truncating variants in TTN are present in 1-3% of the general population, truncating variants in the A-band are the most common cause of dilated cardiomyopathy (DCM) (Herman DS et al. N. Engl. J. Med., 2012 Feb;366:619-28; Roberts AM et al. Sci Transl Med, 2015 Jan;7:270ra6). TTN truncating variants encoded in constitutive exons (PSI >90%) have been found to be significantly associated with DCM regardless of their position in titin (Schafer S et al. Nat. Genet., 2017 01;49:46-53). Based on the majority of available evidence to date, this variant is likely to be pathogenic.

NM_001267550.2(TTN):c.98245del (p.Ala32749fs)

Genes: TTN (titin; minus strand), TTN-AS1 (TTN antisense RNA 1; plus strand). Cytogenetic location: 2q31.2.
Variant type: Deletion.
Coding change: c.98245del on transcript NM_001267550.2 (MANE Select); coding-DNA position 98245, one base deleted (G; older notation c.98245delG).
Protein change: p.Ala32749fs; shifts the reading frame from alanine 32749.
Molecular consequence: frameshift variant. On other transcripts: non-coding transcript variant (1).
Genome position (GRCh38, 1-based): chr2:178,539,820, C deleted on the plus strand (G on the coding strand, the reverse complement: TTN is on the minus strand). VCF-style (leftmost placement, unchanged base first): chr2-178539819-GC-G. GRCh37 (hg19) VCF-style: chr2-179404546-GC-G.
Other names: c.93322del, p.Ala31108fs (NM_001256850.1); c.71050del, p.Ala23684fs (NM_003319.4); c.90541del, p.Ala30181fs (NM_133378.4); c.71425del, p.Ala23809fs (NM_133432.3); c.71626del, p.Ala23876fs (NM_133437.4); c.71050delG (NM_003319.4); short protein forms A23684fs, A23809fs, A23876fs, A30181fs, A31108fs, A32749fs.
Identifiers: ClinVar variation 3223344 (VCV003223344.1), dbSNP rs2468778141, ClinGen allele CA2825001011.